The following is an entry in ClinVar:

ClinVar aggregate classification (germline): Likely benign (1 of 4 stars; one submission).

Allele frequency attached by ClinVar (database versions not stated): gnomAD exomes 0.00001.
gnomAD v4.1: 11 of 1,605,414 alleles (0.00069%); highest among the groups gnomAD compares: Non-Finnish European, 0.00094%; no homozygotes.

Submission:

GeneDx
Classification: Likely benign. Last evaluated: 2018-01-04. Review status: criteria provided, single submitter. Criteria: GeneDx Variant Classification (06012015). Collection method: clinical testing. Allele origin: germline. Affected: yes.
Comment: This variant is considered likely benign or benign based on one or more of the following criteria: it is a conservative change, it occurs at a poorly conserved position in the protein, it is predicted to be benign by multiple in silico algorithms, and/or has population frequency not consistent with disease.

NM_012470.4(TNPO3):c.322-16A>G

Gene: TNPO3 (transportin 3; minus strand). Cytogenetic location: 7q32.1.
Variant type: single nucleotide variant.
Coding change: c.322-16A>G on transcript NM_012470.4 (MANE Select); 16 bases into the intron before coding-DNA position 322, A replaced by G.
Molecular consequence: intron variant.
Genome position (GRCh38, 1-based): chr7:129,017,072, T>C on the plus strand (A>G on the coding strand, the complement: TNPO3 is on the minus strand). VCF-style: chr7-129017072-T-C. GRCh37 (hg19) VCF-style: chr7-128657126-T-C.
Other names: c.322-16A>G (NM_001382221.1, NM_001382222.1, NM_001382219.1 and 6 more transcripts).
Identifiers: ClinVar variation 514485 (VCV000514485.1), dbSNP rs768458902, ClinGen allele CA166224332.